The following is an entry in ClinVar:

NM_006947.4(SRP72):c.1514A>C (p.His505Pro)

Gene: SRP72 (signal recognition particle 72; plus strand). Cytogenetic location: 4q12.
Variant type: single nucleotide variant.
Coding change: c.1514A>C on transcript NM_006947.4 (MANE Select); coding-DNA position 1514, A replaced by C.
Protein change: p.His505Pro; replaces histidine 505 with proline.
Molecular consequence: missense variant. On other transcripts: non-coding transcript variant (1).
Genome position (GRCh38, 1-based): chr4:56,491,442, A>C. VCF-style: chr4-56491442-A-C. GRCh37 (hg19) VCF-style: chr4-57357608-A-C.
Other names: c.1331A>C, p.His444Pro (NM_001267722.2); short protein forms H505P, H444P.
Identifiers: ClinVar variation 2853943 (VCV002853943.3), dbSNP rs2545768773, ClinGen allele CA357001914.
Genomic context (GRCh38, chr4:56,491,442, plus strand): 5'-ATGTGTGTGTTTGTGTATATTATGTTCCTGAACTCCTGTTCTATCACAGTCTTAGTAAAC[A>C]CTTGCCATCGTCAGATAGTATGTCTCTAAAAGTAGATGTTGAGGCTCTTGAAAATTCTGC-3'
Protein context (NP_008878.3, residues 495-515): DPEKAKALSK[His505Pro]LPSSDSMSLK

ClinVar aggregate classification (germline): Uncertain significance (1 of 4 stars; one submission).

Submission:

Labcorp Genetics (formerly Invitae), Labcorp
Classification: Uncertain significance. Last evaluated: 2023-04-09. Review status: criteria provided, single submitter. Criteria: Invitae Variant Classification Sherloc (09022015). Collection method: clinical testing. Allele origin: germline.
Comment: In summary, the available evidence is currently insufficient to determine the role of this variant in disease. Therefore, it has been classified as a Variant of Uncertain Significance. Advanced modeling of protein sequence and biophysical properties (such as structural, functional, and spatial information, amino acid conservation, physicochemical variation, residue mobility, and thermodynamic stability) performed at Invitae indicates that this missense variant is not expected to disrupt SRP72 protein function. This variant has not been reported in the literature in individuals affected with SRP72-related conditions. This variant is not present in population databases (gnomAD no frequency). This sequence change replaces histidine, which is basic and polar, with proline, which is neutral and non-polar, at codon 505 of the SRP72 protein (p.His505Pro).